The following is an entry in ClinVar:

NM_001130987.2(DYSF):c.5004-2A>C

Gene: DYSF (dysferlin; plus strand). Cytogenetic location: 2p13.2.
Variant type: single nucleotide variant.
Coding change: c.5004-2A>C on transcript NM_001130987.2 (MANE Select); the canonical splice acceptor site of the intron before coding-DNA position 5004, A replaced by C.
Molecular consequence: splice acceptor variant.
Genome position (GRCh38, 1-based): chr2:71,664,266, A>C. VCF-style: chr2-71664266-A-C. GRCh37 (hg19) VCF-style: chr2-71891396-A-C.
Other names: c.4980-2A>C (NM_001130979.2); c.5001-2A>C (NM_001130981.2); c.4938-2A>C (NM_001130980.2); c.4950-2A>C (NM_001130978.2); c.4887-2A>C (NM_003494.4); c.4908-2A>C (NM_001130977.2); c.4845-2A>C (NM_001130976.2); c.4983-2A>C (NM_001130982.2); and 5 more.
Identifiers: ClinVar variation 4716625 (VCV004716625.1).

ClinVar aggregate classification (germline): Likely pathogenic (1 of 4 stars; one submission).

Conditions:
Neuromuscular disease caused by qualitative or quantitative defects of dysferlin. Also called: Dysferlinopathy; Qualitative or quantitative defects of dysferlin. Identifiers: Orphanet 207073, MedGen C2931687, MONDO:0016145.

Submission:

Labcorp Genetics (formerly Invitae), Labcorp
Classification: Likely pathogenic for Neuromuscular disease caused by qualitative or quantitative defects of dysferlin. Last evaluated: 2025-04-02. Review status: criteria provided, single submitter. Criteria: Invitae Variant Classification Sherloc (09022015). Collection method: clinical testing. Allele origin: germline.
Comment: This sequence change affects an acceptor splice site in intron 44 of the DYSF gene. It is expected to disrupt RNA splicing. Variants that disrupt the donor or acceptor splice site typically lead to a loss of protein function (PMID: 16199547), and loss-of-function variants in DYSF are known to be pathogenic (PMID: 17698709, 20301480). This variant is not present in population databases (gnomAD no frequency). This variant has not been reported in the literature in individuals affected with DYSF-related conditions. Algorithms developed to predict the effect of sequence changes on RNA splicing suggest that this variant may disrupt the consensus splice site. In summary, the currently available evidence indicates that the variant is pathogenic, but additional data are needed to prove that conclusively. Therefore, this variant has been classified as Likely Pathogenic.

Literature cited by the submitters: PubMed 16199547; PubMed 17698709; PubMed 20301480.